The following is an entry in ClinVar:

NM_007186.6(CEP250):c.1571+3_1571+6del

Genes: CEP250 (centrosomal protein 250; plus strand), CEP250-AS1 (CEP250 antisense RNA 1; minus strand). Cytogenetic location: 20q11.22.
Variant type: Deletion.
Coding change: c.1571+3_1571+6del on transcript NM_007186.6 (MANE Select); bases 3 to 6 of the intron after coding-DNA position 1571, 4 bases deleted (AAGT; older notation c.1571+3_1571+6delAAGT).
Molecular consequence: splice donor variant.
Genome position (GRCh38, 1-based): chr20:35,474,055-35,474,058, AAGT deleted; deleting any 4 consecutive bases within chr20:35,474,053-35,474,058 gives the same sequence; the c. name uses the placement nearest the transcript's 3' end. VCF-style (leftmost placement, unchanged base first): chr20-35474052-TGTAA-T. GRCh37 (hg19) VCF-style: chr20-34061877-TGTAA-T.
Other names: c.-329+3_-329+6del (NM_001318219.1).
Identifiers: ClinVar variation 1955332 (VCV001955332.5), dbSNP rs2063102600, ClinGen allele CA2361667142.

ClinVar aggregate classification (germline): Uncertain significance (1 of 4 stars; one submission).

Submission:

Labcorp Genetics (formerly Invitae), Labcorp
Classification: Uncertain significance. Last evaluated: 2022-04-07. Review status: criteria provided, single submitter. Criteria: Invitae Variant Classification Sherloc (09022015). Collection method: clinical testing. Allele origin: germline.
Comment: In summary, the available evidence is currently insufficient to determine the role of this variant in disease. Therefore, it has been classified as a Variant of Uncertain Significance. Variants that disrupt the consensus splice site are a relatively common cause of aberrant splicing (PMID: 17576681, 9536098). Algorithms developed to predict the effect of sequence changes on RNA splicing suggest that this variant may disrupt the consensus splice site. This variant has not been reported in the literature in individuals affected with CEP250-related conditions. This variant is not present in population databases (gnomAD no frequency). This sequence change falls in intron 14 of the CEP250 gene. It does not directly change the encoded amino acid sequence of the CEP250 protein. It affects a nucleotide within the consensus splice site.

Literature cited by the submitters: PubMed 17576681; PubMed 9536098.